The following is an entry in ClinVar:

ClinVar aggregate classification (germline): Uncertain significance (1 of 4 stars; one submission).

gnomAD v4.1: 4 of 1,551,378 alleles (0.00026%); highest among the groups gnomAD compares: Non-Finnish European, 0.00035%; no homozygotes.

Submission:

Labcorp Genetics (formerly Invitae), Labcorp
Classification: Uncertain significance. Last evaluated: 2025-09-03. Review status: criteria provided, single submitter. Criteria: Invitae Variant Classification Sherloc (09022015). Collection method: clinical testing. Allele origin: germline.
Comment: This sequence change replaces tyrosine, which is neutral and polar, with cysteine, which is neutral and slightly polar, at codon 1245 of the TET2 protein (p.Tyr1245Cys). This variant is not present in population databases (gnomAD no frequency). This variant has not been reported in the literature in individuals affected with TET2-related conditions. An algorithm developed to predict the effect of missense changes on protein structure and function (PolyPhen-2) suggests that this variant is likely to be disruptive. In summary, the available evidence is currently insufficient to determine the role of this variant in disease. Therefore, it has been classified as a Variant of Uncertain Significance.

NM_001127208.3(TET2):c.3734A>G (p.Tyr1245Cys)

Genes: TET2 (tet methylcytosine dioxygenase 2; plus strand), TET2-AS1 (TET2 antisense RNA 1; minus strand). Cytogenetic location: 4q24.
Variant type: single nucleotide variant.
Coding change: c.3734A>G on transcript NM_001127208.3 (MANE Select); coding-DNA position 3734, A replaced by G.
Protein change: p.Tyr1245Cys; replaces tyrosine 1245 with cysteine.
Molecular consequence: missense variant.
Genome position (GRCh38, 1-based): chr4:105,243,709, A>G. VCF-style: chr4-105243709-A-G. GRCh37 (hg19) VCF-style: chr4-106164866-A-G.
Other names: short protein forms Y1245C.
Identifiers: ClinVar variation 4772951 (VCV004772951.1).